The following is an entry in ClinVar:

NM_030632.3(ASXL3):c.4211C>T (p.Thr1404Ile)

Gene: ASXL3 (ASXL transcriptional regulator 3; plus strand). Cytogenetic location: 18q12.1.
Variant type: single nucleotide variant.
Coding change: c.4211C>T on transcript NM_030632.3 (MANE Select); coding-DNA position 4211, C replaced by T.
Protein change: p.Thr1404Ile; replaces threonine 1404 with isoleucine.
Molecular consequence: missense variant.
Genome position (GRCh38, 1-based): chr18:33,744,059, C>T. VCF-style: chr18-33744059-C-T. GRCh37 (hg19) VCF-style: chr18-31324023-C-T.
Other names: short protein forms T1404I.
Identifiers: ClinVar variation 2336250 (VCV002336250.15), dbSNP rs374695099, ClinGen allele CA297793455.

ClinVar aggregate classification (germline): Conflicting classifications of pathogenicity. Review status: criteria provided, conflicting classifications (1 of 4 stars). 2 submissions from 2 submitters: Uncertain significance (1); Likely benign (1). Last evaluated 2025-02-01.

Conditions:
Inborn genetic diseases. Identifiers: MedGen C0950123, MeSH D030342.

Allele frequency attached by ClinVar (database versions not stated): TOPMed 0.00001; ESP Exome Variant Server 0.00008.
gnomAD v4.1: 5 of 1,613,932 alleles (0.00031%); highest among the groups gnomAD compares: Non-Finnish European, 0.00042%; no homozygotes.

Submissions (2):

CeGaT Center for Human Genetics Tuebingen
Classification: Likely benign. Last evaluated: 2025-02-01. Review status: criteria provided, single submitter. Criteria: CeGaT Center For Human Genetics Tuebingen Variant Classification Criteria Version 2. Collection method: clinical testing. Allele origin: germline. Affected: yes. Observed: 1 variant allele.
Comment: ASXL3: BP4

Ambry Genetics
Classification: Uncertain significance for Inborn genetic diseases. Last evaluated: 2022-12-16. Review status: criteria provided, single submitter. Criteria: Ambry Variant Classification Scheme 2023. Collection method: clinical testing. Allele origin: germline.